The following is an entry in ClinVar:

ClinVar aggregate classification (germline): Uncertain significance (1 of 4 stars; one submission).

Allele frequency attached by ClinVar (database versions not stated): gnomAD exomes below 0.00001.
gnomAD v4.1: 4 of 1,614,230 alleles (0.00025%); highest among the groups gnomAD compares: Non-Finnish European, 0.00034%; no homozygotes.

Submission:

GeneDx
Classification: Uncertain significance. Last evaluated: 2023-07-18. Review status: criteria provided, single submitter. Criteria: GeneDx Variant Classification Process June 2021. Collection method: clinical testing. Allele origin: germline. Affected: yes.
Comment: Not observed at significant frequency in large population cohorts (gnomAD); In silico analysis supports that this missense variant does not alter protein structure/function; Has not been previously published as pathogenic or benign to our knowledge

NM_003718.5(CDK13):c.3385A>G (p.Ile1129Val)

Gene: CDK13 (cyclin dependent kinase 13; plus strand). Cytogenetic location: 7p14.1.
Variant type: single nucleotide variant.
Coding change: c.3385A>G on transcript NM_003718.5 (MANE Select); coding-DNA position 3385, A replaced by G.
Protein change: p.Ile1129Val; replaces isoleucine 1129 with valine.
Molecular consequence: missense variant. On other transcripts: intron variant (1).
Genome position (GRCh38, 1-based): chr7:40,092,934, A>G. VCF-style: chr7-40092934-A-G. GRCh37 (hg19) VCF-style: chr7-40132533-A-G.
Other names: c.3236-31A>G (NM_031267.3); short protein forms I1129V.
Identifiers: ClinVar variation 1711880 (VCV001711880.3), dbSNP rs2484066769, ClinGen allele CA367294767.